The following is an entry in ClinVar:

NC_000001.11:g.(?_154274930)_(154275721_?)del

Gene: HAX1 (HCLS1 associated protein X-1; plus strand). Cytogenetic location: 1q21.3.
Variant type: Deletion.
Identifiers: ClinVar variation 832624 (VCV000832624.6).

ClinVar aggregate classification (germline): Likely pathogenic (1 of 4 stars; one submission).

Conditions:
Kostmann syndrome (SCN3). Also called: KOSTMANN DISEASE; Autosomal recessive severe congenital neutropenia type 3. Identifiers: Orphanet 99749, MedGen C5235141, MONDO:0012548, OMIM 610738.

Submission:

Labcorp Genetics (formerly Invitae), Labcorp
Classification: Likely pathogenic for Kostmann syndrome. Last evaluated: 2021-08-04. Review status: criteria provided, single submitter. Criteria: Invitae Variant Classification Sherloc (09022015). Collection method: clinical testing. Allele origin: germline.
Comment: This variant is a gross deletion of the genomic region encompassing exon(s) 4-7 of the HAX1 gene. The 5' boundary is likely confined to intron 3. The 3' end of this event is unknown as it extends through the termination codon beyond the assayed region for this gene and may encompass additional genes. While this deletion is not anticipated to lead to nonsense mediated decay, it is expected to alter mRNA translation or result in a truncated protein product. A similar copy number variant has been observed in individual(s) with severe congenital neutropenia (PMID: 21108402, 21344642). It has also been observed to segregate with disease in related individuals. In summary, the currently available evidence indicates that the variant is pathogenic, but additional data are needed to prove that conclusively. Therefore, this variant has been classified as Likely Pathogenic.

Literature cited by the submitters: PubMed 21108402; PubMed 21344642.